The following is an entry in ClinVar:

ClinVar aggregate classification (germline): Likely benign. Review status: criteria provided, multiple submitters, no conflicts (2 of 4 stars). 3 submissions from 3 submitters: Likely benign (3). Last evaluated 2026-04-23.

Conditions:
TRPM1-related disorder. Also called: TRPM1-related condition.

Allele frequency attached by ClinVar (database versions not stated): gnomAD 0.00005; gnomAD exomes 0.00006 and 0.00003; 1000 Genomes Project 30x 0.00016; 1000 Genomes Project 0.00020; TOPMed 0.00002; ExAC 0.00004.
gnomAD v4.1: 54 of 1,614,194 alleles (0.0033%); highest among the groups gnomAD compares: East Asian, 0.031%; no homozygotes.

Submissions (3):

PreventionGenetics, part of Exact Sciences
Classification: Likely benign for TRPM1-related condition. Last evaluated: 2026-04-23. Review status: criteria provided, single submitter. Criteria: ACMG Guidelines, 2015. Collection method: clinical testing. Allele origin: germline.
Comment: This variant is classified as likely benign based on ACMG/AMP sequence variant interpretation guidelines (Richards et al. 2015 PMID: 25741868, with internal and published modifications).

Labcorp Genetics (formerly Invitae), Labcorp
Classification: Likely benign. Last evaluated: 2025-01-29. Review status: criteria provided, single submitter. Criteria: Invitae Variant Classification Sherloc (09022015). Collection method: clinical testing. Allele origin: germline.

Blueprint Genetics
Classification: Likely benign. Last evaluated: 2024-06-07. Review status: criteria provided, single submitter. Criteria: ACMG Guidelines, 2015. Collection method: clinical testing. Allele origin: germline.

NM_001252024.2(TRPM1):c.849G>A (p.Val283=)

Gene: TRPM1 (transient receptor potential cation channel subfamily M member 1; minus strand). Cytogenetic location: 15q13.3.
Variant type: single nucleotide variant.
Coding change: c.849G>A on transcript NM_001252024.2 (MANE Select); coding-DNA position 849, G replaced by A.
Protein change: p.Val283=; no amino-acid change (valine 283 retained).
Molecular consequence: synonymous variant.
Genome position (GRCh38, 1-based): chr15:31,063,234, C>T on the plus strand (G>A on the coding strand, the complement: TRPM1 is on the minus strand). VCF-style: chr15-31063234-C-T. GRCh37 (hg19) VCF-style: chr15-31355437-C-T.
Other names: c.900G>A (NM_001252020.1); c.900G>A, p.Val300= (NM_001252020.2); c.783G>A, p.Val261= (NM_002420.6).
Identifiers: ClinVar variation 1613179 (VCV001613179.10), dbSNP rs185683952, ClinGen allele CA7452781.